The following is an entry in ClinVar:

ClinVar aggregate classification (germline): Uncertain significance. Review status: criteria provided, multiple submitters, no conflicts (2 of 4 stars). 3 submissions from 3 submitters: Uncertain significance (3). Last evaluated 2023-12-26.

Conditions:
Inborn genetic diseases. Identifiers: MedGen C0950123, MeSH D030342.
Weill-Marchesani 4 syndrome, recessive. Also called: Weill-Marchesani syndrome 4. Identifiers: Orphanet 363992, MedGen C2750787, MONDO:0013176, OMIM 613195.

Allele frequency attached by ClinVar (database versions not stated): gnomAD exomes 0.00001 and 0.00003; TOPMed 0.00001; ExAC 0.00002; gnomAD 0.00002.
gnomAD v4.1: 44 of 1,614,056 alleles (0.0027%); highest among the groups gnomAD compares: Non-Finnish European, 0.0037%; no homozygotes.

Submissions (3):

Ambry Genetics
Classification: Uncertain significance for Inborn genetic diseases. Last evaluated: 2023-12-26. Review status: criteria provided, single submitter. Criteria: Ambry Variant Classification Scheme 2023. Collection method: clinical testing. Allele origin: germline.

Labcorp Genetics (formerly Invitae), Labcorp
Classification: Uncertain significance. Last evaluated: 2022-02-09. Review status: criteria provided, single submitter. Criteria: Invitae Variant Classification Sherloc (09022015). Collection method: clinical testing. Allele origin: germline.
Comment: This sequence change replaces asparagine, which is neutral and polar, with serine, which is neutral and polar, at codon 382 of the ADAMTS17 protein (p.Asn382Ser). This variant is present in population databases (rs755587669, gnomAD 0.002%). This variant has not been reported in the literature in individuals affected with ADAMTS17-related conditions. ClinVar contains an entry for this variant (Variation ID: 315301). Algorithms developed to predict the effect of missense changes on protein structure and function are either unavailable or do not agree on the potential impact of this missense change (SIFT: "Not Available"; PolyPhen-2: "Probably Damaging"; Align-GVGD: "Not Available"). In summary, the available evidence is currently insufficient to determine the role of this variant in disease. Therefore, it has been classified as a Variant of Uncertain Significance.

Illumina Laboratory Services, Illumina
Classification: Uncertain significance for Weill-Marchesani 4 syndrome, recessive. Last evaluated: 2018-01-12. Review status: criteria provided, single submitter. Criteria: ICSL Variant Classification Criteria 13 December 2019. Collection method: clinical testing. Allele origin: germline.

NM_139057.4(ADAMTS17):c.1145A>G (p.Asn382Ser)

Gene: ADAMTS17 (ADAM metallopeptidase with thrombospondin type 1 motif 17; minus strand). Cytogenetic location: 15q26.3.
Variant type: single nucleotide variant.
Coding change: c.1145A>G on transcript NM_139057.4 (MANE Select); coding-DNA position 1145, A replaced by G.
Protein change: p.Asn382Ser; replaces asparagine 382 with serine.
Molecular consequence: missense variant.
Genome position (GRCh38, 1-based): chr15:100,199,354, T>C on the plus strand (A>G on the coding strand, the complement: ADAMTS17 is on the minus strand). VCF-style: chr15-100199354-T-C. GRCh37 (hg19) VCF-style: chr15-100739559-T-C.
Other names: short protein forms N382S.
Identifiers: ClinVar variation 315301 (VCV000315301.7), dbSNP rs755587669, ClinGen allele CA7758381.